The following is an entry in ClinVar:

NM_000038.6(APC):c.646-75G>T

Gene: APC (APC regulator of WNT signaling pathway; plus strand). Cytogenetic location: 5q22.2.
Variant type: single nucleotide variant.
Coding change: c.646-75G>T on transcript NM_000038.6 (MANE Select); 75 bases into the intron before coding-DNA position 646, G replaced by T.
Molecular consequence: intron variant.
Genome position (GRCh38, 1-based): chr5:112,792,371, G>T. VCF-style: chr5-112792371-G-T. GRCh37 (hg19) VCF-style: chr5-112128068-G-T.
Other names: c.646-75G>T (NM_001354895.2, NM_001127510.3, NM_001354896.2 and 1 more transcripts); c.676-75G>T (NM_001354897.2, NM_001354902.2); c.676-8908G>T (NM_001127511.3); c.571-75G>T (NM_001354898.2, NM_001354904.2); c.-390-75G>T (NM_001354906.2); c.646-8908G>T (NM_001354899.2); c.469-75G>T (NM_001354900.2, NM_001354901.2, NM_001354905.2).
Identifiers: ClinVar variation 83005 (VCV000083005.2), dbSNP rs77939672, ClinGen allele CA012130.

ClinVar aggregate classification (germline): other (0 of 4 stars; one submission).

Conditions:
Familial colorectal cancer. Identifiers: MedGen CN280943, MONDO:0023113. Disease mechanism: loss of function.

Submission:

Systems Biology Platform Zhejiang California International NanoSystems Institute
Classification: other for Familial colorectal cancer. Review status: no assertion criteria provided. Collection method: not provided. Allele origin: unknown.
ClinVar note: Converted during submission from cancer to other.